The following is an entry in ClinVar:

ClinVar aggregate classification (germline): Likely benign. Review status: criteria provided, single submitter (1 of 4 stars). 2 submissions from 2 submitters: Likely benign (1). 1 of the submissions does not count toward it. Last evaluated 2025-04-13.

Conditions:
FGFR3-related disorder. Also called: FGFR3-related disorders.

Allele frequency attached by ClinVar (database versions not stated): ExAC 0.00001; gnomAD exomes 0.00001; TOPMed 0.00001; gnomAD 0.00001.
gnomAD v4.1: 14 of 1,613,498 alleles (0.00087%); highest among the groups gnomAD compares: Middle Eastern, 0.016%; no homozygotes.

Submissions (2):

Labcorp Genetics (formerly Invitae), Labcorp
Classification: Likely benign. Last evaluated: 2025-04-13. Review status: criteria provided, single submitter. Criteria: Invitae Variant Classification Sherloc (09022015). Collection method: clinical testing. Allele origin: germline.

PreventionGenetics, part of Exact Sciences
Classification: Likely benign for FGFR3-related condition. Last evaluated: 2021-06-10. Review status: no assertion criteria provided. Collection method: clinical testing. Allele origin: germline. Not counted in ClinVar's aggregate classification.
Comment: This variant is classified as likely benign based on ACMG/AMP sequence variant interpretation guidelines (Richards et al. 2015 PMID: 25741868, with internal and published modifications).

NM_000142.5(FGFR3):c.1860C>T (p.Ala620=)

Gene: FGFR3 (fibroblast growth factor receptor 3; plus strand). Cytogenetic location: 4p16.3.
Variant type: single nucleotide variant.
Coding change: c.1860C>T on transcript NM_000142.5 (MANE Select); coding-DNA position 1860, C replaced by T.
Protein change: p.Ala620=; no amino-acid change (alanine 620 retained).
Molecular consequence: synonymous variant. On other transcripts: non-coding transcript variant (1).
Genome position (GRCh38, 1-based): chr4:1,806,074, C>T. VCF-style: chr4-1806074-C-T. GRCh37 (hg19) VCF-style: chr4-1807801-C-T.
Other names: c.1866C>T, p.Ala622= (NM_001163213.2); c.1863C>T, p.Ala621= (NM_001354809.2, NM_001354810.2); c.1524C>T, p.Ala508= (NM_022965.4).
Identifiers: ClinVar variation 1941005 (VCV001941005.7), dbSNP rs756928026, ClinGen allele CA2810619.